The following is an entry in ClinVar:

NM_030665.4(RAI1):c.3686T>A (p.Met1229Lys)

Gene: RAI1 (retinoic acid induced 1; plus strand). Cytogenetic location: 17p11.2.
Variant type: single nucleotide variant.
Coding change: c.3686T>A on transcript NM_030665.4 (MANE Select); coding-DNA position 3686, T replaced by A.
Protein change: p.Met1229Lys; replaces methionine 1229 with lysine.
Molecular consequence: missense variant.
Genome position (GRCh38, 1-based): chr17:17,796,634, T>A. VCF-style: chr17-17796634-T-A. GRCh37 (hg19) VCF-style: chr17-17699948-T-A.
Other names: c.3686T>A (NM_030665.3); short protein forms M1229K.
Identifiers: ClinVar variation 1555587 (VCV001555587.10), dbSNP rs369821666, ClinGen allele CA288370549.

ClinVar aggregate classification (germline): Conflicting classifications of pathogenicity. Review status: criteria provided, conflicting classifications (1 of 4 stars). 3 submissions from 3 submitters: Uncertain significance (2); Likely benign (1). Last evaluated 2026-08-31.

Conditions:
RAI1-related disorder. Also called: RAI1-related condition.
Inborn genetic diseases. Identifiers: MedGen C0950123, MeSH D030342.

Allele frequency attached by ClinVar (database versions not stated): ESP Exome Variant Server 0.00008.

Submissions (3):

PreventionGenetics, part of Exact Sciences
Classification: Uncertain significance for RAI1-related condition. Last evaluated: 2026-08-31. Review status: criteria provided, single submitter. Criteria: ACMG Guidelines, 2015. Collection method: clinical testing. Allele origin: germline.
Comment: The RAI1 c.3686T>A variant is predicted to result in the amino acid substitution p.Met1229Lys. To our knowledge, this variant has not been reported in the literature. This variant is reported in 0.0065% of alleles in individuals of European (Non-Finnish) descent in gnomAD. At this time, the clinical significance of this variant is uncertain due to the absence of conclusive functional and genetic evidence.

Ambry Genetics
Classification: Uncertain significance for Inborn genetic diseases. Last evaluated: 2025-01-07. Review status: criteria provided, single submitter. Criteria: Ambry Variant Classification Scheme 2023. Collection method: clinical testing. Allele origin: germline.

Labcorp Genetics (formerly Invitae), Labcorp
Classification: Likely benign. Last evaluated: 2022-02-04. Review status: criteria provided, single submitter. Criteria: Invitae Variant Classification Sherloc (09022015). Collection method: clinical testing. Allele origin: germline.